The following is an entry in ClinVar:

ClinVar aggregate classification (germline): Uncertain significance. Review status: criteria provided, multiple submitters, no conflicts (2 of 4 stars). 2 submissions from 2 submitters: Uncertain significance (2). Last evaluated 2025-10-29.

Conditions:
Hereditary cancer-predisposing syndrome. Also called: Hereditary neoplastic syndrome; Neoplastic Syndromes, Hereditary; Tumor predisposition; Hereditary Cancer Syndrome. Identifiers: Orphanet 140162, MedGen C0027672, MeSH D009386, MONDO:0015356.
Tuberous sclerosis 2 (TSC2). Identifiers: Orphanet 805, MedGen C1860707, MONDO:0013199, OMIM 613254.

Submissions (2):

Labcorp Genetics (formerly Invitae), Labcorp
Classification: Uncertain significance for Tuberous sclerosis 2. Last evaluated: 2025-10-29. Review status: criteria provided, single submitter. Criteria: Invitae Variant Classification Sherloc (09022015). Collection method: clinical testing. Allele origin: germline.
Comment: This sequence change replaces glutamic acid, which is acidic and polar, with alanine, which is neutral and non-polar, at codon 1426 of the TSC2 protein (p.Glu1426Ala). This variant is not present in population databases (gnomAD no frequency). This variant has not been reported in the literature in individuals affected with TSC2-related conditions. ClinVar contains an entry for this variant (Variation ID: 2802419). Invitae Evidence Modeling of protein sequence and biophysical properties (such as structural, functional, and spatial information, amino acid conservation, physicochemical variation, residue mobility, and thermodynamic stability) indicates that this missense variant is not expected to disrupt TSC2 protein function with a negative predictive value of 95%. In summary, the available evidence is currently insufficient to determine the role of this variant in disease. Therefore, it has been classified as a Variant of Uncertain Significance.

Ambry Genetics
Classification: Uncertain significance for Hereditary cancer-predisposing syndrome. Last evaluated: 2024-08-26. Review status: criteria provided, single submitter. Criteria: Ambry Variant Classification Scheme 2023. Collection method: clinical testing. Allele origin: germline.
Comment: The p.E1426A variant (also known as c.4277A>C), located in coding exon 33 of the TSC2 gene, results from an A to C substitution at nucleotide position 4277. The glutamic acid at codon 1426 is replaced by alanine, an amino acid with dissimilar properties. This amino acid position is conserved. In addition, the in silico prediction for this alteration is inconclusive. Based on the available evidence, the clinical significance of this variant remains unclear.

NM_000548.5(TSC2):c.4277A>C (p.Glu1426Ala)

Gene: TSC2 (TSC complex subunit 2; plus strand). Cytogenetic location: 16p13.3.
Variant type: single nucleotide variant.
Coding change: c.4277A>C on transcript NM_000548.5 (MANE Select); coding-DNA position 4277, A replaced by C.
Protein change: p.Glu1426Ala; replaces glutamic acid 1426 with alanine.
Molecular consequence: missense variant. On other transcripts: non-coding transcript variant (5).
Genome position (GRCh38, 1-based): chr16:2,084,499, A>C. VCF-style: chr16-2084499-A-C. GRCh37 (hg19) VCF-style: chr16-2134500-A-C.
Other names: c.4148A>C, p.Glu1383Ala (NM_001370405.1, NM_021055.3); c.4274A>C, p.Glu1425Ala (NM_001406663.1); c.4205A>C, p.Glu1402Ala (NM_001406664.1); c.3479A>C, p.Glu1160Ala (NM_001406685.1, NM_001406686.1); c.3476A>C, p.Glu1159Ala (NM_001406687.1, NM_001406688.1); c.4199A>C, p.Glu1400Ala (NM_001406665.1); c.4169A>C, p.Glu1390Ala (NM_001406667.1); c.4166A>C, p.Glu1389Ala (NM_001406668.1); and 26 more; short protein forms E1203A, E1323A, E1353A, E1354A, E1355A, E912A, E934A, E1160A.
Identifiers: ClinVar variation 2802419 (VCV002802419.4), dbSNP rs2090515740, ClinGen allele CA394300789.